The following is an entry in ClinVar:

ClinVar aggregate classification (germline): Uncertain significance (1 of 4 stars; one submission).

Conditions:
2-aminoadipic 2-oxoadipic aciduria (AAKAD). Also called: Aminoadipic aciduria; ALPHA-AMINOADIPIC AND ALPHA-KETOADIPIC ACIDURIA. Identifiers: Orphanet 79154, MedGen C1859817, MONDO:0008774, OMIM 204750.

Allele frequency attached by ClinVar (database versions not stated): gnomAD 0.00001; TOPMed 0.00001.

Submission:

Labcorp Genetics (formerly Invitae), Labcorp
Classification: Uncertain significance for 2-aminoadipic 2-oxoadipic aciduria. Last evaluated: 2025-10-01. Review status: criteria provided, single submitter. Criteria: Invitae Variant Classification Sherloc (09022015). Collection method: clinical testing. Allele origin: germline.
Comment: This sequence change replaces valine, which is neutral and non-polar, with leucine, which is neutral and non-polar, at codon 776 of the DHTKD1 protein (p.Val776Leu). This variant is present in population databases (no rsID available, gnomAD 0.01%). This variant has not been reported in the literature in individuals affected with DHTKD1-related conditions. ClinVar contains an entry for this variant (Variation ID: 840385). Invitae Evidence Modeling of protein sequence and biophysical properties (such as structural, functional, and spatial information, amino acid conservation, physicochemical variation, residue mobility, and thermodynamic stability) indicates that this missense variant is not expected to disrupt DHTKD1 protein function with a negative predictive value of 80%. In summary, the available evidence is currently insufficient to determine the role of this variant in disease. Therefore, it has been classified as a Variant of Uncertain Significance.

NM_018706.7(DHTKD1):c.2326G>T (p.Val776Leu)

Gene: DHTKD1 (dehydrogenase E1 and transketolase domain containing 1; plus strand). Cytogenetic location: 10p14.
Variant type: single nucleotide variant.
Coding change: c.2326G>T on transcript NM_018706.7 (MANE Select); coding-DNA position 2326, G replaced by T.
Protein change: p.Val776Leu; replaces valine 776 with leucine.
Molecular consequence: missense variant.
Genome position (GRCh38, 1-based): chr10:12,117,679, G>T. VCF-style: chr10-12117679-G-T. GRCh37 (hg19) VCF-style: chr10-12159678-G-T.
Other names: short protein forms V776L.
Identifiers: ClinVar variation 840385 (VCV000840385.10), dbSNP rs200042516, ClinGen allele CA376014861.